The following is an entry in ClinVar:

ClinVar aggregate classification (germline): Pathogenic. Review status: criteria provided, single submitter (1 of 4 stars). 2 submissions from 2 submitters: Pathogenic (1). 1 of the submissions does not count toward it. Last evaluated 2020-02-29.

Conditions:
Hereditary cancer-predisposing syndrome. Also called: Tumor predisposition; Hereditary neoplastic syndrome; Hereditary Cancer Syndrome; Neoplastic Syndromes, Hereditary. Identifiers: Orphanet 140162, MedGen C0027672, MeSH D009386, MONDO:0015356.

Submissions (2):

Ambry Genetics
Classification: Pathogenic for Hereditary cancer-predisposing syndrome. Last evaluated: 2020-02-29. Review status: criteria provided, single submitter. Criteria: Ambry Variant Classification Scheme 2023. Collection method: clinical testing. Allele origin: germline.
Comment: The c.3470dupA pathogenic mutation, located in coding exon 15 of the APC gene, results from a duplication of A at nucleotide position 3470, causing a translational frameshift with a predicted alternate stop codon (p.R1158Efs*6). This alteration is expected to result in loss of function by premature protein truncation or nonsense-mediated mRNA decay. As such, this alteration is interpreted as a disease-causing mutation.

Department of Pathology and Laboratory Medicine, Sinai Health System
Classification: Uncertain significance. Review status: no assertion criteria provided. Collection method: clinical testing. Allele origin: unknown. Affected: yes. Observed: 1 variant allele. Study: The Canadian Open Genetics Repository (COGR). Not counted in ClinVar's aggregate classification.

NM_000038.6(APC):c.3470dup (p.Arg1158fs)

Gene: APC (APC regulator of Wnt signaling pathway; plus strand). Cytogenetic location: 5q22.2.
Variant type: Duplication.
Coding change: c.3470dup on transcript NM_000038.6 (MANE Select); coding-DNA position 3470, one base duplicated (A; older notation c.3470dupA).
Protein change: p.Arg1158fs; shifts the reading frame from arginine 1158.
Molecular consequence: frameshift variant.
Genome position (GRCh38, 1-based): chr5:112,839,064, A duplicated. VCF-style (leftmost placement, unchanged base first): chr5-112839063-G-GA. GRCh37 (hg19) VCF-style: chr5-112174760-G-GA.
Other names: c.3470dup, p.Arg1158fs (NM_001127510.3, NM_001354895.2); c.3416dup, p.Arg1140fs (NM_001127511.3); c.3524dup, p.Arg1176fs (NM_001354896.2); c.3500dup, p.Arg1168fs (NM_001354897.2); c.3395dup, p.Arg1133fs (NM_001354898.2); c.3386dup, p.Arg1130fs (NM_001354899.2); c.3347dup, p.Arg1117fs (NM_001354900.2); c.3293dup, p.Arg1099fs (NM_001354901.2); and 5 more; short protein forms R1032fs, R1057fs, R1067fs, R1099fs, R1117fs, R1130fs, R1133fs, R1140fs.
Identifiers: ClinVar variation 1048908 (VCV001048908.3), dbSNP rs2149892641, ClinGen allele CA2499217473.